The following is an entry in ClinVar:

NM_052989.3(IFT122):c.1913G>C (p.Cys638Ser)

Gene: IFT122 (intraflagellar transport 122; plus strand). Cytogenetic location: 3q21.3.
Variant type: single nucleotide variant.
Coding change: c.1913G>C on transcript NM_052989.3 (MANE Select); coding-DNA position 1913, G replaced by C.
Protein change: p.Cys638Ser; replaces cysteine 638 with serine.
Molecular consequence: missense variant.
Genome position (GRCh38, 1-based): chr3:129,488,318, G>C. VCF-style: chr3-129488318-G-C. GRCh37 (hg19) VCF-style: chr3-129207161-G-C.
Other names: c.1580G>C, p.Cys527Ser (NM_001410815.1, NM_001410817.1, NM_052990.3); c.1736G>C, p.Cys579Ser (NM_018262.4, NM_001410810.1, NM_001410811.1 and 1 more transcripts); c.2066G>C, p.Cys689Ser (NM_052985.4); c.1889G>C, p.Cys630Ser (NM_001280541.2); c.1463G>C, p.Cys488Ser (NM_001280545.2); c.1286G>C, p.Cys429Ser (NM_001280546.2); c.1913G>C, p.Cys638Ser (NM_001410808.1, NM_001410809.1); short protein forms C488S, C689S, C527S, C630S, C638S, C429S, C579S.
Identifiers: ClinVar variation 3676577 (VCV003676577.2).

ClinVar aggregate classification (germline): Uncertain significance (1 of 4 stars; one submission).

Conditions:
Cranioectodermal dysplasia 1 (CED1). Also called: LEVIN SYNDROME I. Identifiers: Orphanet 1515, MedGen C0432235, MONDO:0021093, OMIM 218330.

Submission:

Labcorp Genetics (formerly Invitae), Labcorp
Classification: Uncertain significance for Cranioectodermal dysplasia 1. Last evaluated: 2024-10-29. Review status: criteria provided, single submitter. Criteria: Invitae Variant Classification Sherloc (09022015). Collection method: clinical testing. Allele origin: germline.
Comment: This sequence change replaces cysteine, which is neutral and slightly polar, with serine, which is neutral and polar, at codon 689 of the IFT122 protein (p.Cys689Ser). This variant is not present in population databases (gnomAD no frequency). This variant has not been reported in the literature in individuals affected with IFT122-related conditions. Invitae Evidence Modeling of protein sequence and biophysical properties (such as structural, functional, and spatial information, amino acid conservation, physicochemical variation, residue mobility, and thermodynamic stability) indicates that this missense variant is not expected to disrupt IFT122 protein function with a negative predictive value of 80%. In summary, the available evidence is currently insufficient to determine the role of this variant in disease. Therefore, it has been classified as a Variant of Uncertain Significance.